The following is an entry in ClinVar:

NM_004329.3(BMPR1A):c.1339G>C (p.Gly447Arg)

Gene: BMPR1A (bone morphogenetic protein receptor type 1A; plus strand). Cytogenetic location: 10q23.2.
Variant type: single nucleotide variant.
Coding change: c.1339G>C on transcript NM_004329.3 (MANE Select); coding-DNA position 1339, G replaced by C.
Protein change: p.Gly447Arg; replaces glycine 447 with arginine.
Molecular consequence: missense variant. On other transcripts: non-coding transcript variant (3).
Genome position (GRCh38, 1-based): chr10:86,921,692, G>C. VCF-style: chr10-86921692-G-C. GRCh37 (hg19) VCF-style: chr10-88681449-G-C.
Other names: c.1333G>C, p.Gly445Arg (NM_001406583.1); c.1255G>C, p.Gly419Arg (NM_001406584.1, NM_001406585.1, NM_001406586.1 and 2 more transcripts); c.1339G>C, p.Gly447Arg (NM_001406578.1, NM_001406579.1, NM_001406580.1 and 19 more transcripts); c.1414G>C, p.Gly472Arg (NM_001406559.1); c.1387G>C, p.Gly463Arg (NM_001406560.1); c.997G>C, p.Gly333Arg (NM_001406589.1); short protein forms G333R, G463R, G472R, G445R, G447R, G419R.
Identifiers: ClinVar variation 3992020 (VCV003992020.1).

ClinVar aggregate classification (germline): Uncertain significance (1 of 4 stars; one submission).

Conditions:
Hereditary cancer-predisposing syndrome. Also called: Tumor predisposition; Hereditary neoplastic syndrome; Neoplastic Syndromes, Hereditary; Hereditary Cancer Syndrome. Identifiers: Orphanet 140162, MedGen C0027672, MeSH D009386, MONDO:0015356.

Submission:

Ambry Genetics
Classification: Uncertain significance for Hereditary cancer-predisposing syndrome. Last evaluated: 2025-03-27. Review status: criteria provided, single submitter. Criteria: Ambry Variant Classification Scheme 2023. Collection method: clinical testing. Allele origin: germline.
Comment: The p.G447R variant (also known as c.1339G>C), located in coding exon 9 of the BMPR1A gene, results from a G to C substitution at nucleotide position 1339. The glycine at codon 447 is replaced by arginine, an amino acid with dissimilar properties. This amino acid position is conserved. In addition, the in silico prediction for this alteration is inconclusive. Based on the available evidence, the clinical significance of this variant remains unclear.